The following is an entry in ClinVar:

NM_005219.5(DIAPH1):c.1985G>A (p.Gly662Asp)

Gene: DIAPH1 (diaphanous related formin 1; minus strand). Cytogenetic location: 5q31.3.
Variant type: single nucleotide variant.
Coding change: c.1985G>A on transcript NM_005219.5 (MANE Select); coding-DNA position 1985, G replaced by A.
Protein change: p.Gly662Asp; replaces glycine 662 with aspartic acid.
Molecular consequence: missense variant.
Genome position (GRCh38, 1-based): chr5:141,573,865, C>T on the plus strand (G>A on the coding strand, the complement: DIAPH1 is on the minus strand). VCF-style: chr5-141573865-C-T. GRCh37 (hg19) VCF-style: chr5-140953432-C-T.
Other names: p.Gly662Asp; c.1958G>A, p.Gly653Asp (NM_001079812.3); c.1985G>A, p.Gly662Asp (NM_001314007.2); short protein forms G653D, G662D.
Identifiers: ClinVar variation 475699 (VCV000475699.50), dbSNP rs200735096, ClinGen allele CA3479181.

ClinVar aggregate classification (germline): Benign/Likely benign. Review status: criteria provided, multiple submitters, no conflicts (2 of 4 stars). 7 submissions from 7 submitters: Benign (3); Likely benign (4). Last evaluated 2026-02-01.

Conditions:
Autosomal dominant nonsyndromic hearing loss 1. Also called: DEAFNESS, AUTOSOMAL DOMINANT 1, WITH OR WITHOUT THROMBOCYTOPENIA; KONIGSMARK SYNDROME. Identifiers: Orphanet 90635, MedGen C1852282, MONDO:0007424, OMIM 124900.
Progressive microcephaly-seizures-cortical blindness-developmental delay syndrome. Also called: Seizures, cortical blindness, and microcephaly syndrome. Identifiers: Orphanet 477814, MedGen C5567650, MONDO:0014714, OMIM 616632.

Allele frequency attached by ClinVar (database versions not stated): 1000 Genomes Project 0.00020; 1000 Genomes Project 30x 0.00031; TOPMed 0.00064; ESP Exome Variant Server 0.00082; gnomAD exomes 0.00154 and 0.00185; gnomAD 0.00197 and 0.00207; ExAC 0.00266.
gnomAD v4.1: 2,410 of 1,532,482 alleles (0.16%); highest among the groups gnomAD compares: Non-Finnish European, 0.13%; 15 homozygotes.

Submissions (7):

Labcorp Genetics (formerly Invitae), Labcorp
Classification: Benign for Progressive microcephaly-seizures-cortical blindness-developmental delay syndrome; Autosomal dominant nonsyndromic hearing loss 1. Last evaluated: 2026-02-01. Review status: criteria provided, single submitter. Criteria: Invitae Variant Classification Sherloc (09022015). Collection method: clinical testing. Allele origin: germline.

Mayo Clinic Laboratories, Mayo Clinic
Classification: Benign. Last evaluated: 2024-12-13. Review status: criteria provided, single submitter. Criteria: ACMG Guidelines, 2015. Collection method: clinical testing. Allele origin: germline. Observed: 2 variant alleles.
Comment: BS1, BS2, BP4_moderate, PM1_supporting

CeGaT Center for Human Genetics Tuebingen
Classification: Likely benign. Last evaluated: 2023-12-01. Review status: criteria provided, single submitter. Criteria: CeGaT Center For Human Genetics Tuebingen Variant Classification Criteria Version 2. Collection method: clinical testing. Allele origin: germline. Affected: yes. Observed: 4 variant alleles.
Comment: DIAPH1: BP4, BS2

GeneDx
Classification: Likely benign. Last evaluated: 2021-01-22. Review status: criteria provided, single submitter. Criteria: GeneDx Variant Classification Process June 2021. Collection method: clinical testing. Allele origin: germline. Affected: yes.

Laboratory for Molecular Medicine, Mass General Brigham Personalized Medicine
Classification: Benign. Last evaluated: 2019-05-02. Review status: criteria provided, single submitter. Criteria: LMM Criteria. Collection method: clinical testing. Allele origin: germline. Observed: 1 variant allele.
Comment: The p.Gly662Asp variant in DIAPH1 is classified as benign because it has been identified in 1.2% (214/17174) of Finnish chromosomes by gnomAD. ACMG/AMP Criteria applied: BA1.

Illumina Laboratory Services, Illumina
Classification: Likely benign for Autosomal dominant nonsyndromic hearing loss 1. Last evaluated: 2018-01-13. Review status: criteria provided, single submitter. Criteria: ICSL Variant Classification Criteria 13 December 2019. Collection method: clinical testing. Allele origin: germline.
Comment: This variant was observed in the ICSL laboratory as part of a predisposition screen in an ostensibly healthy population. It had not been previously curated by ICSL or reported in the Human Gene Mutation Database (HGMD: prior to June 1st, 2018), and was therefore a candidate for classification through an automated scoring system. Utilizing variant allele frequency, disease prevalence and penetrance estimates, and inheritance mode, an automated score was calculated to assess if this variant is too frequent to cause the disease. Based on the score and internal cut-off values, a variant classified as likely benign is not then subjected to further curation. The score for this variant resulted in a classification of likely benign for this disease.

Breakthrough Genomics
Classification: Likely benign. Review status: criteria provided, single submitter. Criteria: ACMG Guidelines, 2015. Collection method: not provided. Allele origin: germline. Inheritance: Autosomal recessive inheritance. Affected: yes.

Literature cited by the submitters: PubMed 38935518 (cited by Mayo Clinic Laboratories, Mayo Clinic).